The following is an entry in ClinVar:

ClinVar aggregate classification (germline): Uncertain significance (1 of 4 stars; one submission).

Allele frequency attached by ClinVar (database versions not stated): TOPMed below 0.00001; ExAC 0.00001; gnomAD 0.00001; gnomAD exomes 0.00001 and 0.00002.
gnomAD v4.1: 17 of 1,612,374 alleles (0.0011%); highest among the groups gnomAD compares: Non-Finnish European, 0.0014%; no homozygotes.

Submission:

Labcorp Genetics (formerly Invitae), Labcorp
Classification: Uncertain significance. Last evaluated: 2025-02-24. Review status: criteria provided, single submitter. Criteria: Invitae Variant Classification Sherloc (09022015). Collection method: clinical testing. Allele origin: germline.
Comment: This sequence change affects codon 134 of the IGF1 mRNA. It is a 'silent' change, meaning that it does not change the encoded amino acid sequence of the IGF1 protein. This variant also falls at the last nucleotide of exon 3, which is part of the consensus splice site for this exon. This variant is present in population databases (rs776125139, gnomAD 0.003%). This variant has not been reported in the literature in individuals affected with IGF1-related conditions. ClinVar contains an entry for this variant (Variation ID: 1430976). Variants that disrupt the consensus splice site are a relatively common cause of aberrant splicing (PMID: 17576681, 9536098). Algorithms developed to predict the effect of sequence changes on RNA splicing suggest that this variant is not likely to affect RNA splicing. In summary, the available evidence is currently insufficient to determine the role of this variant in disease. Therefore, it has been classified as a Variant of Uncertain Significance.

Literature cited by the submitters: PubMed 17576681; PubMed 9536098.

NM_000618.5(IGF1):c.402G>A (p.Lys134=)

Genes: IGF1 (insulin like growth factor 1; minus strand), LINC02456 (long intergenic non-protein coding RNA 2456; plus strand). Cytogenetic location: 12q23.2.
Variant type: single nucleotide variant.
Coding change: c.402G>A on transcript NM_000618.5 (MANE Select); coding-DNA position 402, G replaced by A.
Protein change: p.Lys134=; no amino-acid change (lysine 134 retained).
Molecular consequence: synonymous variant.
Genome position (GRCh38, 1-based): chr12:102,419,509, C>T on the plus strand (G>A on the coding strand, the complement: IGF1 is on the minus strand). VCF-style: chr12-102419509-C-T. GRCh37 (hg19) VCF-style: chr12-102813287-C-T.
Other names: c.402G>A, p.Lys134= (NM_001111283.3, NM_001111285.3); c.354G>A, p.Lys118= (NM_001111284.2).
Identifiers: ClinVar variation 1430976 (VCV001430976.6), dbSNP rs776125139, ClinGen allele CA6748554.